The following is an entry in ClinVar:

ClinVar aggregate classification (germline): Conflicting classifications of pathogenicity. Review status: criteria provided, conflicting classifications (1 of 4 stars). 2 submissions from 2 submitters: Uncertain significance (1); Likely benign (1). Last evaluated 2023-04-12.

Conditions:
Myopathy, proximal, and ophthalmoplegia (CMYO6). Also called: MYOPATHY WITH CONGENITAL JOINT CONTRACTURES, OPHTHALMOPLEGIA, AND RIMMED VACUOLES; INCLUSION BODY MYOPATHY 3, AUTOSOMAL DOMINANT; CONGENITAL MYOPATHY 6 WITH OPHTHALMOPLEGIA. Identifiers: Orphanet 363677, Orphanet 79091, MedGen C1854106, MONDO:0011577, OMIM 605637.
MYH2-related disorder. Also called: MYH2-related condition.

Allele frequency attached by ClinVar (database versions not stated): ExAC 0.00001.

Submissions (2):

Labcorp Genetics (formerly Invitae), Labcorp
Classification: Likely benign for Myopathy, proximal, and ophthalmoplegia. Last evaluated: 2023-04-12. Review status: criteria provided, single submitter. Criteria: Invitae Variant Classification Sherloc (09022015). Collection method: clinical testing. Allele origin: germline.

PreventionGenetics, part of Exact Sciences
Classification: Uncertain significance for MYH2-related condition. Last evaluated: 2022-11-04. Review status: criteria provided, single submitter. Criteria: ACMG Guidelines, 2015. Collection method: clinical testing. Allele origin: germline.
Comment: The MYH2 c.1266+7G>A variant is predicted to interfere with splicing. • This variant is predicted to alter splicing based on available splicing prediction programs (Alamut Visual v2.11). However, the use of computer prediction programs is not equivalent to functional evidence. To our knowledge, this variant has not been reported in the literature. This variant is reported in 0.00088% of alleles in individuals of European (Non-Finnish) descent in gnomAD. At this time, the clinical significance of this variant is uncertain due to the absence of conclusive functional and genetic evidence.

NM_017534.6(MYH2):c.1266+7G>A

Genes: MYH2 (myosin heavy chain 2; minus strand), MYHAS (myosin heavy chain gene cluster antisense RNA; plus strand). Cytogenetic location: 17p13.1.
Variant type: single nucleotide variant.
Coding change: c.1266+7G>A on transcript NM_017534.6 (MANE Select); 7 bases into the intron after coding-DNA position 1266, G replaced by A.
Molecular consequence: intron variant.
Genome position (GRCh38, 1-based): chr17:10,539,437, C>T on the plus strand (G>A on the coding strand, the complement: MYH2 is on the minus strand). VCF-style: chr17-10539437-C-T. GRCh37 (hg19) VCF-style: chr17-10442754-C-T.
Other names: c.1266+7G>A (NM_001100112.2).
Identifiers: ClinVar variation 2635759 (VCV002635759.4), dbSNP rs745645307, ClinGen allele CA8391413.